The following is an entry in ClinVar:

NM_000553.6(WRN):c.3582G>A (p.Thr1194=)

Gene: WRN (WRN RecQ like helicase; plus strand). Cytogenetic location: 8p12.
Variant type: single nucleotide variant.
Coding change: c.3582G>A on transcript NM_000553.6 (MANE Select); coding-DNA position 3582, G replaced by A.
Protein change: p.Thr1194=; no amino-acid change (threonine 1194 retained).
Molecular consequence: synonymous variant.
Genome position (GRCh38, 1-based): chr8:31,150,350, G>A. VCF-style: chr8-31150350-G-A. GRCh37 (hg19) VCF-style: chr8-31007866-G-A.
Identifiers: ClinVar variation 528201 (VCV000528201.16), dbSNP rs762685242, ClinGen allele CA4705123.
Genomic context (GRCh38, chr8:31,150,350, plus strand): 5'-TCAGTGGTTTCTTGACCTTTTTGTTGTTGTTGTTGTTGTTGTTAAACACAGACCAACTAC[G>A]GTTGAAAACGTAAAAAGGATTGATGGTGTTTCTGAAGGCAAAGCTGCCATGTTGGCCCCT-3'
Protein context (NP_000544.2, residues 1184-1204): LVDMAKMRPT[Thr1194=]VENVKRIDGV

ClinVar aggregate classification (germline): Conflicting classifications of pathogenicity. Review status: criteria provided, conflicting classifications (1 of 4 stars). 3 submissions from 3 submitters: Uncertain significance (1); Likely benign (2). Last evaluated 2026-01-25.

Conditions:
WRN-related disorder. Also called: WRN-related condition.
Werner syndrome (WRN). Identifiers: Orphanet 902, MedGen C0043119, MONDO:0010196, OMIM 277700.

Allele frequency attached by ClinVar (database versions not stated): TOPMed 0.00002.
gnomAD v4.1: 40 of 1,613,742 alleles (0.0025%); highest among the groups gnomAD compares: East Asian, 0.036%; no homozygotes.

Submissions (3):

Labcorp Genetics (formerly Invitae), Labcorp
Classification: Likely benign for Werner syndrome. Last evaluated: 2026-01-25. Review status: criteria provided, single submitter. Criteria: Invitae Variant Classification Sherloc (09022015). Collection method: clinical testing. Allele origin: germline.

PreventionGenetics, part of Exact Sciences
Classification: Likely benign for WRN-related condition. Last evaluated: 2025-04-26. Review status: criteria provided, single submitter. Criteria: ACMG Guidelines, 2015. Collection method: clinical testing. Allele origin: germline.
Comment: This variant is classified as likely benign based on ACMG/AMP sequence variant interpretation guidelines (Richards et al. 2015 PMID: 25741868, with internal and published modifications).

Illumina Laboratory Services, Illumina
Classification: Uncertain significance for Werner syndrome. Last evaluated: 2018-01-12. Review status: criteria provided, single submitter. Criteria: ICSL Variant Classification Criteria 13 December 2019. Collection method: clinical testing. Allele origin: germline.